The following is an entry in ClinVar:

ClinVar aggregate classification (germline): Pathogenic/Likely pathogenic. Review status: criteria provided, multiple submitters, no conflicts (2 of 4 stars). 9 submissions from 9 submitters: Pathogenic (6); Likely pathogenic (3). Last evaluated 2025-11-25.

Conditions:
DNAH5-related disorders.
Primary ciliary dyskinesia. Also called: Ciliary dyskinesia. Identifiers: Orphanet 244, MedGen C0008780, MONDO:0016575, HP:0012265.
Primary ciliary dyskinesia 3. Identifiers: Orphanet 244, MedGen C1837618, MONDO:0012085, OMIM 608644.

Allele frequency attached by ClinVar (database versions not stated): gnomAD exomes 0.00001 and 0.00002; gnomAD 0.00003 and 0.00004; TOPMed 0.00004.
gnomAD v4.1: 24 of 1,613,852 alleles (0.0015%); highest among the groups gnomAD compares: Middle Eastern, 0.016%; no homozygotes.

Submissions (9):

Labcorp Genetics (formerly Invitae), Labcorp
Classification: Pathogenic for Primary ciliary dyskinesia. Last evaluated: 2025-11-25. Review status: criteria provided, single submitter. Criteria: Invitae Variant Classification Sherloc (09022015). Collection method: clinical testing. Allele origin: germline.
Comment: This sequence change replaces arginine, which is basic and polar, with cysteine, which is neutral and slightly polar, at codon 3539 of the DNAH5 protein (p.Arg3539Cys). This variant is present in population databases (no rsID available, gnomAD 0.004%). This missense change has been observed in individual(s) with primary ciliary dyskinesia (PMID: 23891469, 30067075). In at least one individual the data is consistent with being in trans (on the opposite chromosome) from a pathogenic variant. ClinVar contains an entry for this variant (Variation ID: 525386). Invitae Evidence Modeling of protein sequence and biophysical properties (such as structural, functional, and spatial information, amino acid conservation, physicochemical variation, residue mobility, and thermodynamic stability) indicates that this missense variant is expected to disrupt DNAH5 protein function with a positive predictive value of 95%. This variant disrupts the p.Arg3539 amino acid residue in DNAH5. Other variant(s) that disrupt this residue have been determined to be pathogenic (PMID: 22416021). This suggests that this residue is clinically significant, and that variants that disrupt this residue are likely to be disease-causing. For these reasons, this variant has been classified as Pathogenic.

Victorian Clinical Genetics Services, Murdoch Childrens Research Institute
Classification: Pathogenic for Primary ciliary dyskinesia 3. Last evaluated: 2025-10-12. Review status: criteria provided, single submitter. Criteria: ACMG Guidelines, 2015. Collection method: clinical testing. Allele origin: germline. Affected: yes.
Comment: This variant is classified as Pathogenic. Evidence in support of pathogenic classification: Variant is present in gnomAD <0.01 for a recessive condition (v4: 24 heterozygote(s), 0 homozygote(s)); This variant has strong previous evidence of pathogenicity in unrelated individuals. This variant has been classified as likely pathogenic or pathogenic by clinical laboratories in ClinVar and has been described in the literature in a cohort with primary ciliary dyskinesia (PMID: 37860582); Other missense variants comparable to the one identified in this case have strong previous evidence for pathogenicity. Alternative changes, p.(Arg3539His) and p.(Arg3539Pro), have been classified as likely pathogenic and pathogenic by clinical laboratories in ClinVar; Missense variant predicted to be damaging by in silico tool(s) or highly conserved with a major amino acid change. Additional information: Variant is predicted to result in a missense amino acid change from Arg to Cys; This variant is homozygous; This gene is associated with autosomal recessive disease; Alternative amino acid change(s) at the same position are present in gnomAD (Highest allele count: v4: 40 heterozygote(s), 0 homozygote(s)); Variant is located in the annotated MT domain (DECIPHER); Loss of function is a known mechanism of disease in this gene and is associated with ciliary dyskinesia, primary, 3, with or without situs inversus (MIM#608644).

Variantyx, Inc.
Classification: Likely pathogenic for Primary ciliary dyskinesia 3. Last evaluated: 2025-09-07. Review status: criteria provided, single submitter. Criteria: Variantyx Assertion Criteria 2022. Collection method: clinical testing. Allele origin: germline. Inheritance: Autosomal recessive inheritance. Affected: no.
Comment: This is a nonsynonymous variant in the DNAH5 gene (OMIM: 603335). Pathogenic variants in this gene have been associated with autosomal recessive primary ciliary dyskinesia 3. This variant has been identified with additional variants in the DNAH5 gene in at least 4 individuals reported in the published literature (PMID: 37860582, 38041506, 23891469). However the phase of these variants is unknown (PM3). An alternate amino acid change at this position (p.Arg3539His) has been previously reported in similarly affected individuals, which suggests that this residue is biologically important (PMID: 22499950, 24498942) (PM5). Multiple computational algorithms predict a deleterious effect for this variant (REVEL score: 0.884) (PP3). This variant has a 0.0040% maximum allele frequency in non-founder control populations (PM2). Based on the current evidence, this variant is classified as likely pathogenic for autosomal recessive primary ciliary dyskinesia 3.

Dasa
Classification: Likely pathogenic. Last evaluated: 2025-06-13. Review status: criteria provided, single submitter. Criteria: DASA Assertion Criteria. Collection method: clinical testing. Allele origin: germline.
Comment: NM_001369.3(DNAH5):c.10615C>T (p.Arg3539Cys) is a missense variant that results in the substitution of arginine with cysteine. The affected residue or protein region has prior evidence supporting clinical relevance. This variant has been recurrently observed in individuals with DNAH5-related disorders (PMID: 23891469; PMID: 30067075). Also, this variant is rare in population databases. Computational evidence supports a deleterious effect. Based on the currently available evidence, this variant is classified as likely pathogenic.

Natera, Inc.
Classification: Pathogenic for Primary ciliary dyskinesia. Last evaluated: 2025-06-13. Review status: criteria provided, single submitter. Criteria: Natera Variant Classification Schema (03/2026). Collection method: clinical testing. Allele origin: germline.
Comment: The c.10615C>T variant in DNAH5 is a missense variant predicted to cause substitution of arginine to cysteine at amino acid 3539. This variant is rare in the general population with a frequency below the threshold expected for the associated phenotype(s). This variant has been observed in one or more individuals affected with the associated recessive disease, as either homozygous or compound heterozygous with a second variant (PMID: 34556108, 23891469, 32253119). This variant has been observed to segregate in affected family members (PMID: 23891469). A different variant at the same position has been determined to be Pathogenic or Likely Pathogenic. Computational prediction algorithms indicate this variant is likely to affect gene or protein function. Given the available evidence, this variant is classified as Pathogenic.

Blueprint Genetics
Classification: Pathogenic for DNAH5-related disorders. Last evaluated: 2024-06-17. Review status: criteria provided, single submitter. Criteria: ACMG Guidelines, 2015. Collection method: clinical testing. Allele origin: germline. Affected: yes. Observed: 5 variant alleles.

Fulgent Genetics
Classification: Pathogenic for Primary ciliary dyskinesia 3. Last evaluated: 2024-04-17. Review status: criteria provided, single submitter. Criteria: ACMG Guidelines, 2015. Collection method: clinical testing. Allele origin: germline.

Clinical Genetics Laboratory, Skane University Hospital Lund
Classification: Pathogenic. Last evaluated: 2022-07-13. Review status: criteria provided, single submitter. Criteria: ACMG Guidelines, 2015. Collection method: clinical testing. Allele origin: germline. Affected: yes.

Ambry Genetics
Classification: Likely pathogenic for Primary ciliary dyskinesia. Last evaluated: 2021-05-25. Review status: criteria provided, single submitter. Criteria: Ambry Variant Classification Scheme 2023. Collection method: clinical testing. Allele origin: germline.
Comment: The p.R3539C variant (also known as c.10615C>T), located in coding exon 63 of the DNAH5 gene, results from a C to T substitution at nucleotide position 10615. The arginine at codon 3539 is replaced by cysteine, an amino acid with highly dissimilar properties. This variant was detected in individuals with primary ciliary dyskinesia in conjunction with additional DNAH5 variants (Failly M et al. J. Med. Genet., 2009 Apr;46:281-6; Zariwala MA et al. Am. J. Hum. Genet., 2013 Aug;93:336-45; Fassad MR et al. J Med Genet, 2020 05;57:322-330). In addition, a likely pathogenic variant, p.R3539H, has been described in the same codon Djakow J et al. Pediatr. Pulmonol. 2012 Sep; 47(9):864-75). This amino acid position is highly conserved in available vertebrate species. In addition, this alteration is predicted to be deleterious by in silico analysis. Based on the majority of available evidence to date, this variant is likely to be pathogenic.

Literature cited by the submitters: PubMed 23891469 (cited by 5 submitters); PubMed 30067075 (cited by Labcorp Genetics (formerly Invitae), Labcorp and Dasa); PubMed 22416021 (cited by Labcorp Genetics (formerly Invitae), Labcorp and Dasa); PubMed 37860582 (cited by Victorian Clinical Genetics Services, Murdoch Childrens Research Institute and Variantyx, Inc.); PubMed 38041506 (cited by Variantyx, Inc.); PubMed 22499950 (cited by Variantyx, Inc.); PubMed 24498942 (cited by Variantyx, Inc.); PubMed 19357118 (cited by Dasa and Ambry Genetics); PubMed 32253119 (cited by Dasa and Natera, Inc.); PubMed 34556108 (cited by Natera, Inc.); PubMed 31879361 (cited by Ambry Genetics).

NM_001369.3(DNAH5):c.10615C>T (p.Arg3539Cys)

Gene: DNAH5 (dynein axonemal heavy chain 5; minus strand). Cytogenetic location: 5p15.2.
Variant type: single nucleotide variant.
Coding change: c.10615C>T on transcript NM_001369.3 (MANE Select); coding-DNA position 10615, C replaced by T.
Protein change: p.Arg3539Cys; replaces arginine 3539 with cysteine.
Molecular consequence: missense variant.
Genome position (GRCh38, 1-based): chr5:13,753,490, G>A on the plus strand (C>T on the coding strand, the complement: DNAH5 is on the minus strand). VCF-style: chr5-13753490-G-A. GRCh37 (hg19) VCF-style: chr5-13753599-G-A.
Other names: short protein forms R3539C.
Identifiers: ClinVar variation 525386 (VCV000525386.17), dbSNP rs1304504006, ClinGen allele CA359192148.
Genomic context (GRCh38, chr5:13,753,490, plus strand): 5'-TTCCAAATGGAATTTTCCGGGCTTTCATTTCCTTCCGCCAGTCATTTAACAGAAGATCAC[G>A]AAACTCTTGGTTAAATGGACCAGAATAAGATAGAAAAGCTGTAGCCAACAGTACATCCCC-3'
Protein context (NP_001360.1, residues 3529-3549): SYSGPFNQEF[Arg3539Cys]DLLLNDWRKE